The following is an entry in ClinVar:

NM_003466.4(PAX8):c.571C>A (p.Pro191Thr)

Genes: PAX8 (paired box 8; minus strand), PAX8-AS1 (PAX8 antisense RNA 1; plus strand), LOC126806316 (P300/CBP strongly-dependent group 1 enhancer GRCh37_chr2:113998497-113999696; plus strand). Cytogenetic location: 2q14.1.
Variant type: single nucleotide variant.
Coding change: c.571C>A on transcript NM_003466.4 (MANE Select); coding-DNA position 571, C replaced by A.
Protein change: p.Pro191Thr; replaces proline 191 with threonine.
Molecular consequence: missense variant.
Genome position (GRCh38, 1-based): chr2:113,242,038, G>T on the plus strand (C>A on the coding strand, the complement: PAX8 is on the minus strand). VCF-style: chr2-113242038-G-T. GRCh37 (hg19) VCF-style: chr2-113999615-G-T.
Other names: c.571C>A, p.Pro191Thr (NM_013952.4, NM_013953.4, NM_013992.4); short protein forms P191T.
Identifiers: ClinVar variation 3903240 (VCV003903240.1).
Genomic context (GRCh38, chr2:113,242,038, plus strand): 5'-CGCCCGCTGCCCTCCTGTCCCAGCACTCACTGTCATCCATTTTCCTCTTGTCGCTGCCAG[G>T]CTGAGCGATGCCCAGGAGCCCATTGATGGAGTAGGTGGAGCCCAGGGAATCCGACTGGGG-3'
Protein context (NP_003457.1, residues 181-201): SINGLLGIAQ[Pro191Thr]GSDKRKMDDS

ClinVar aggregate classification (germline): Uncertain significance (1 of 4 stars; one submission).

gnomAD v4.1: 7 of 1,613,748 alleles (0.00043%); highest among the groups gnomAD compares: Non-Finnish European, 0.00051%; no homozygotes.

Submission:

GeneDx
Classification: Uncertain significance. Last evaluated: 2024-12-12. Review status: criteria provided, single submitter. Criteria: GeneDx Variant Classification Process June 2021. Collection method: clinical testing. Allele origin: germline. Affected: yes.
Comment: Not observed at significant frequency in large population cohorts (gnomAD); In silico analysis indicates that this missense variant does not alter protein structure/function; Has not been previously published as pathogenic or benign to our knowledge